The following is an entry in ClinVar:

NM_004336.5(BUB1):c.1532C>G (p.Ser511Cys)

Gene: BUB1 (BUB1 mitotic checkpoint serine/threonine kinase; minus strand). Cytogenetic location: 2q13.
Variant type: single nucleotide variant.
Coding change: c.1532C>G on transcript NM_004336.5 (MANE Select); coding-DNA position 1532, C replaced by G.
Protein change: p.Ser511Cys; replaces serine 511 with cysteine.
Molecular consequence: missense variant.
Genome position (GRCh38, 1-based): chr2:110,657,630, G>C on the plus strand (C>G on the coding strand, the complement: BUB1 is on the minus strand). VCF-style: chr2-110657630-G-C. GRCh37 (hg19) VCF-style: chr2-111415207-G-C.
Other names: c.1472C>G, p.Ser491Cys (NM_001278616.2); c.1532C>G, p.Ser511Cys (NM_001278617.2); short protein forms S491C, S511C.
Identifiers: ClinVar variation 3224006 (VCV003224006.1), dbSNP rs2468007731, ClinGen allele CA348212116.

ClinVar aggregate classification (germline): Uncertain significance (1 of 4 stars; one submission).

Submission:

Ambry Genetics
Classification: Uncertain significance. Last evaluated: 2023-12-29. Review status: criteria provided, single submitter. Criteria: Ambry Variant Classification Scheme 2023. Collection method: clinical testing. Allele origin: germline.
Comment: The p.S511C variant (also known as c.1532C>G), located in coding exon 14 of the BUB1 gene, results from a C to G substitution at nucleotide position 1532. The serine at codon 511 is replaced by cysteine, an amino acid with dissimilar properties. This amino acid position is conserved. In addition, this alteration is predicted to be tolerated by in silico analysis. Since supporting evidence is limited at this time, the clinical significance of this alteration remains unclear.